The following is an entry in ClinVar:

ClinVar aggregate classification (germline): Likely benign (1 of 4 stars; one submission).

Submission:

GeneDx
Classification: Likely benign. Last evaluated: 2017-07-28. Review status: criteria provided, single submitter. Criteria: GeneDx Variant Classification (06012015). Collection method: clinical testing. Allele origin: germline. Affected: yes.
Comment: This variant is considered likely benign or benign based on one or more of the following criteria: it is a conservative change, it occurs at a poorly conserved position in the protein, it is predicted to be benign by multiple in silico algorithms, and/or has population frequency not consistent with disease.

NM_001085411.2(NADK2):c.-303G>A

Gene: NADK2 (NAD kinase 2, mitochondrial; minus strand). Cytogenetic location: 5p13.2.
Variant type: single nucleotide variant.
Coding change: c.-303G>A on transcript NM_001085411.2; 303 bases upstream of the start codon, G replaced by A.
Molecular consequence: 5 prime UTR variant (on NM_001287341.2).
Genome position (GRCh38, 1-based): chr5:36,242,101, C>T on the plus strand (G>A on the coding strand, the complement: NADK2 is on the minus strand). VCF-style: chr5-36242101-C-T. GRCh37 (hg19) VCF-style: chr5-36242203-C-T.
Other names: c.-195G>A (NM_001287341.2, NM_153013.5).
Identifiers: ClinVar variation 510885 (VCV000510885.3), dbSNP rs1554012199, ClinGen allele CA658796516.